The following is an entry in ClinVar:

ClinVar aggregate classification (germline): Likely benign. Review status: criteria provided, multiple submitters, no conflicts (2 of 4 stars). 3 submissions from 3 submitters: Likely benign (2). 1 of the submissions does not count toward it. Last evaluated 2024-10-28.

Conditions:
ABCA2-related disorder. Also called: ABCA2-related condition.

Allele frequency attached by ClinVar (database versions not stated): ExAC 0.00007; ESP Exome Variant Server 0.00008; gnomAD 0.00019; gnomAD exomes 0.00019; TOPMed 0.00019.
gnomAD v4.1: 305 of 1,607,014 alleles (0.019%); highest among the groups gnomAD compares: African/African-American, 0.023%; no homozygotes.

Submissions (3):

Blueprint Genetics
Classification: Likely benign. Last evaluated: 2024-10-28. Review status: criteria provided, single submitter. Criteria: ACMG Guidelines, 2015. Collection method: clinical testing. Allele origin: germline.

CeGaT Center for Human Genetics Tuebingen
Classification: Likely benign. Last evaluated: 2023-05-01. Review status: criteria provided, single submitter. Criteria: CeGaT Center For Human Genetics Tuebingen Variant Classification Criteria Version 2. Collection method: clinical testing. Allele origin: germline. Affected: yes. Observed: 2 variant alleles.
Comment: ABCA2: BP4, BP7

PreventionGenetics, part of Exact Sciences
Classification: Likely benign for ABCA2-related condition. Last evaluated: 2020-02-04. Review status: no assertion criteria provided. Collection method: clinical testing. Allele origin: germline. Not counted in ClinVar's aggregate classification.
Comment: This variant is classified as likely benign based on ACMG/AMP sequence variant interpretation guidelines (Richards et al. 2015 PMID: 25741868, with internal and published modifications).

NM_001606.5(ABCA2):c.1863C>T (p.His621=)

Gene: ABCA2 (ATP binding cassette subfamily A member 2; minus strand). Cytogenetic location: 9q34.3.
Variant type: single nucleotide variant.
Coding change: c.1863C>T on transcript NM_001606.5 (MANE Select); coding-DNA position 1863, C replaced by T.
Protein change: p.His621=; no amino-acid change (histidine 621 retained).
Molecular consequence: synonymous variant.
Genome position (GRCh38, 1-based): chr9:137,018,308, G>A on the plus strand (C>T on the coding strand, the complement: ABCA2 is on the minus strand). VCF-style: chr9-137018308-G-A. GRCh37 (hg19) VCF-style: chr9-139912760-G-A.
Other names: c.1860C>T, p.His620= (NM_001411042.1); c.1953C>T, p.His651= (NM_212533.3); c.1953C>T (NM_212533.2).
Identifiers: ClinVar variation 2659786 (VCV002659786.26), dbSNP rs202013393, ClinGen allele CA5355282.
Genomic context (GRCh38, chr9:137,018,308, plus strand): 5'-GCGGCGGATCTCGTTGGTTTTCTCGGTGAAGCTGGAGTTCTGGCGGATCTTGTAGTGCAC[G>A]TGAGGCGGGAGCGAGCCGTCCTTCCGGGTCTGGAAGATCACACCTGGGGCCGGGAGGTTG-3'
Protein context (NP_001597.2, residues 611-631): QTRKDGSLPP[His621=]VHYKIRQNSS